The following is an entry in ClinVar:

NM_001035.3(RYR2):c.5400A>G (p.Lys1800=)

Gene: RYR2 (ryanodine receptor 2; plus strand). Cytogenetic location: 1q43.
Variant type: single nucleotide variant.
Coding change: c.5400A>G on transcript NM_001035.3 (MANE Select); coding-DNA position 5400, A replaced by G.
Protein change: p.Lys1800=; no amino-acid change (lysine 1800 retained).
Molecular consequence: synonymous variant.
Genome position (GRCh38, 1-based): chr1:237,614,528, A>G. VCF-style: chr1-237614528-A-G. GRCh37 (hg19) VCF-style: chr1-237777828-A-G.
Other names: p.Lys1800=.
Identifiers: ClinVar variation 43805 (VCV000043805.34), dbSNP rs3820216, ClinGen allele CA009846.
Genomic context (GRCh38, chr1:237,614,528, plus strand): 5'-AGAGTTCCCACTGGACATCCTCAAGTCCAAAACCATACAGATGCTGACAGAAGCTGTTAA[A>G]GAGGGCAGTCTTCATGCCCGGGACCCAGTTGGAGGGACTACTGAATTCCTCTTTGTACCT-3'
Protein context (NP_001026.2, residues 1790-1810): KTIQMLTEAV[Lys1800=]EGSLHARDPV

ClinVar aggregate classification (germline): Benign. Review status: criteria provided, multiple submitters, no conflicts (2 of 4 stars). 14 submissions from 13 submitters: Benign (12). 2 of the submissions do not count toward it. Last evaluated 2026-02-03.

Conditions:
Cardiovascular phenotype. Identifiers: MedGen CN230736.
Cardiomyopathy (CMYO). Also called: Cardiomyopathies. Identifiers: Orphanet 167848, MedGen C0878544, MONDO:0004994, HP:0001638. Inheritance: Various modes of inheritance.
Catecholaminergic polymorphic ventricular tachycardia 1. Also called: VENTRICULAR TACHYCARDIA, CATECHOLAMINERGIC POLYMORPHIC, 1, WITH OR WITHOUT ATRIAL DYSFUNCTION AND/OR DILATED CARDIOMYOPATHY; RYR2-Related Catecholaminergic Polymorphic Ventricular Tachycardia; VENTRICULAR TACHYCARDIA, STRESS-INDUCED POLYMORPHIC 1. Identifiers: Orphanet 3286, MedGen C1631597, MONDO:0011484, OMIM 604772.
Arrhythmogenic right ventricular dysplasia 2. Identifiers: MedGen C1832931.
Catecholaminergic polymorphic ventricular tachycardia (CVPT). Also called: Catecholamine-induced polymorphic ventricular tachycardia. Identifiers: Orphanet 3286, MedGen C5574922, MONDO:0017990.

Allele frequency attached by ClinVar (database versions not stated): gnomAD exomes 0.00761 and 0.01925; ExAC 0.02103; ESP Exome Variant Server 0.03264; gnomAD 0.03492 and 0.03524; TOPMed 0.03829; 1000 Genomes Project 30x 0.06137; 1000 Genomes Project 0.06230.
gnomAD v4.1: 16,906 of 1,614,014 alleles (1%); highest among the groups gnomAD compares: African/African-American, 11%; 686 homozygotes.

Submissions (14):

Labcorp Genetics (formerly Invitae), Labcorp
Classification: Benign for Catecholaminergic polymorphic ventricular tachycardia 1. Last evaluated: 2026-02-03. Review status: criteria provided, single submitter. Criteria: Invitae Variant Classification Sherloc (09022015). Collection method: clinical testing. Allele origin: germline.

Molecular Diagnostic Laboratory for Inherited Cardiovascular Disease, Montreal Heart Institute
Classification: Benign. Last evaluated: 2025-04-09. Review status: criteria provided, single submitter. Criteria: ACMG Guidelines, 2015. Collection method: clinical testing. Allele origin: germline. Affected: no.

All of Us Research Program, National Institutes of Health
Classification: Benign for Catecholaminergic polymorphic ventricular tachycardia. Last evaluated: 2024-02-05. Review status: criteria provided, single submitter. Criteria: ACMG Guidelines, 2015. Collection method: clinical testing. Allele origin: germline. Inheritance: Autosomal dominant inheritance. Observed: 2,423 variant alleles, 2,328 heterozygotes, 95 homozygotes.
Comment: This study involves interpretation of variants in research participants for the purpose of population health screening. Participant phenotype was not available at the time of variant classification. Additional details can be found in publication PMID: 35346344, PMCID: PMC8962531

Color Diagnostics, LLC DBA Color Health
Classification: Benign for Cardiomyopathy. Last evaluated: 2018-03-15. Review status: criteria provided, single submitter. Criteria: ACMG Guidelines, 2015. Collection method: clinical testing. Allele origin: germline.

Illumina Laboratory Services, Illumina
Classification: Benign for Catecholaminergic polymorphic ventricular tachycardia 1. Last evaluated: 2018-01-12. Review status: criteria provided, single submitter. Criteria: ICSL Variant Classification Criteria 13 December 2019. Collection method: clinical testing. Allele origin: germline.
Comment: This variant was observed in the ICSL laboratory as part of a predisposition screen in an ostensibly healthy population. It had not been previously curated by ICSL or reported in the Human Gene Mutation Database (HGMD: prior to June 1st, 2018), and was therefore a candidate for classification through an automated scoring system. Utilizing variant allele frequency, disease prevalence and penetrance estimates, and inheritance mode, an automated score was calculated to assess if this variant is too frequent to cause the disease. Based on the score and internal cut-off values, a variant classified as benign is not then subjected to further curation. The score for this variant resulted in a classification of benign for this disease.

Illumina Laboratory Services, Illumina
Classification: Benign for Catecholaminergic polymorphic ventricular tachycardia 1. Last evaluated: 2018-01-12. Review status: criteria provided, single submitter. Criteria: ICSL Variant Classification Criteria 13 December 2019. Collection method: clinical testing. Allele origin: germline.
Comment: the same text as in the submission from Illumina Laboratory Services, Illumina above.

Ambry Genetics
Classification: Benign for Cardiovascular phenotype. Last evaluated: 2015-03-11. Review status: criteria provided, single submitter. Criteria: Ambry Variant Classification Scheme 2023. Collection method: clinical testing. Allele origin: germline.

GeneDx
Classification: Benign. Last evaluated: 2015-03-03. Review status: criteria provided, single submitter. Criteria: GeneDx Variant Classification Process June 2021. Collection method: clinical testing. Allele origin: germline. Affected: yes.

Mayo Clinic Laboratories, Mayo Clinic
Classification: Benign. Last evaluated: 2014-03-07. Review status: criteria provided, single submitter. Criteria: ACMG Guidelines, 2015. Collection method: clinical testing. Allele origin: germline. Observed: 53 variant alleles.

Laboratory for Molecular Medicine, Mass General Brigham Personalized Medicine
Classification: Benign. Last evaluated: 2012-04-24. Review status: criteria provided, single submitter. Criteria: LMM Criteria. Collection method: clinical testing. Allele origin: germline. Observed: 75 variant alleles.
Comment: Lys1800Lys in exon 37 of RYR2: This variant is not expected to have clinical sig nificance because it does not alter an amino acid residue and is not located wit hin the splice consensus sequence. It has been identified in 9.5% (303/3184) of African American chromosomes from a broad population by the NHLBI Exome Sequenci ng Project (rs3820216).

Breakthrough Genomics
Classification: Benign. Review status: criteria provided, single submitter. Criteria: ACMG Guidelines, 2015. Collection method: not provided. Allele origin: germline. Inheritance: Autosomal dominant inheritance. Affected: yes.

PreventionGenetics, part of Exact Sciences
Classification: Benign. Review status: criteria provided, single submitter. Criteria: ACMG Guidelines, 2015. Collection method: clinical testing. Allele origin: germline.

Clinical Genetics, Academic Medical Center
Classification: Benign. Review status: no assertion criteria provided. Collection method: clinical testing. Allele origin: germline. Affected: yes. Study: VKGL Data-share Consensus. Not counted in ClinVar's aggregate classification.

Genome Diagnostics Laboratory, University Medical Center Utrecht
Classification: Benign. Review status: no assertion criteria provided. Collection method: clinical testing. Allele origin: germline. Affected: yes. Study: VKGL Data-share Consensus. Not counted in ClinVar's aggregate classification.